The following is an entry in ClinVar:

ClinVar aggregate classification (germline): Uncertain significance (1 of 4 stars; one submission).

Conditions:
Hereditary cancer-predisposing syndrome. Also called: Tumor predisposition; Hereditary Cancer Syndrome; Neoplastic Syndromes, Hereditary; Hereditary neoplastic syndrome. Identifiers: Orphanet 140162, MedGen C0027672, MeSH D009386, MONDO:0015356.

gnomAD v4.1: 1 of 1,613,602 alleles (0.000062%); highest among the groups gnomAD compares: Non-Finnish European, 0.000085%; no homozygotes.

Submission:

Ambry Genetics
Classification: Uncertain significance for Hereditary cancer-predisposing syndrome. Last evaluated: 2024-09-26. Review status: criteria provided, single submitter. Criteria: Ambry Variant Classification Scheme 2023. Collection method: clinical testing. Allele origin: germline.
Comment: The p.M2235L variant (also known as c.6703A>T), located in coding exon 45 of the ATM gene, results from an A to T substitution at nucleotide position 6703. The methionine at codon 2235 is replaced by leucine, an amino acid with highly similar properties. This amino acid position is conserved. In addition, this alteration is predicted to be tolerated by in silico analysis. Based on the available evidence, the clinical significance of this variant remains unclear.

NM_000051.4(ATM):c.6703A>T (p.Met2235Leu)

Genes: ATM (ATM serine/threonine kinase; plus strand), C11orf65 (chromosome 11 open reading frame 65; minus strand). Cytogenetic location: 11q22.3.
Variant type: single nucleotide variant.
Coding change: c.6703A>T on transcript NM_000051.4 (MANE Select); coding-DNA position 6703, A replaced by T.
Protein change: p.Met2235Leu; replaces methionine 2235 with leucine.
Molecular consequence: missense variant. On other transcripts: intron variant (2).
Genome position (GRCh38, 1-based): chr11:108,325,440, A>T. VCF-style: chr11-108325440-A-T. GRCh37 (hg19) VCF-style: chr11-108196167-A-T.
Other names: c.6703A>T, p.Met2235Leu (NM_001351834.2); c.641-16369T>A (NM_001330368.2); c.*38+9780T>A (NM_001351110.2); short protein forms M2235L.
Identifiers: ClinVar variation 3451538 (VCV003451538.1).
Genomic context (GRCh38, chr11:108,325,440, plus strand): 5'-AGTGATTTTAGTTTTCAGGAGCCTATCATGGCTCTACGCACAGTCATTTTGGAGATCCTG[A>T]TGGAAAAGGAAATGGACAACTCACAAAGAGAATGTATTAAGGACATTCTCACCAAACACC-3'
Protein context (NP_000042.3, residues 2225-2245): ALRTVILEIL[Met2235Leu]EKEMDNSQRE